The following is an entry in ClinVar:

NM_005502.4(ABCA1):c.6731T>C (p.Val2244Ala)

Genes: ABCA1 (ATP binding cassette subfamily A member 1; minus strand), NIPSNAP3B (nipsnap homolog 3B; plus strand). Cytogenetic location: 9q31.1.
Variant type: single nucleotide variant.
Coding change: c.6731T>C on transcript NM_005502.4 (MANE Select); coding-DNA position 6731, T replaced by C.
Protein change: p.Val2244Ala; replaces valine 2244 with alanine.
Molecular consequence: missense variant.
Genome position (GRCh38, 1-based): chr9:104,784,370, A>G on the plus strand (T>C on the coding strand, the complement: ABCA1 is on the minus strand). VCF-style: chr9-104784370-A-G. GRCh37 (hg19) VCF-style: chr9-107546651-A-G.
Other names: short protein forms V2244A.
Identifiers: ClinVar variation 1755143 (VCV001755143.2), dbSNP rs1466911823, ClinGen allele CA374310804.

ClinVar aggregate classification (germline): Uncertain significance (1 of 4 stars; one submission).

Conditions:
Cardiovascular phenotype. Identifiers: MedGen CN230736.

Allele frequency attached by ClinVar (database versions not stated): gnomAD 0.00001; TOPMed 0.00001.
gnomAD v4.1: 8 of 1,614,008 alleles (0.0005%); highest among the groups gnomAD compares: African/African-American, 0.004%; no homozygotes.

Submission:

Ambry Genetics
Classification: Uncertain significance for Cardiovascular phenotype. Last evaluated: 2022-07-14. Review status: criteria provided, single submitter. Criteria: Ambry Variant Classification Scheme 2023. Collection method: clinical testing. Allele origin: germline.
Comment: The p.V2244A variant (also known as c.6731T>C), located in coding exon 49 of the ABCA1 gene, results from a T to C substitution at nucleotide position 6731. The valine at codon 2244 is replaced by alanine, an amino acid with similar properties. This amino acid position is conserved. In addition, this alteration is predicted to be tolerated by in silico analysis. Since supporting evidence is limited at this time, the clinical significance of this alteration remains unclear.